The following is an entry in ClinVar:

ClinVar aggregate classification (germline): Uncertain significance (1 of 4 stars; one submission).

gnomAD v4.1: 5 of 1,538,796 alleles (0.00032%); highest among the groups gnomAD compares: Non-Finnish European, 0.00044%; no homozygotes.

Submission:

Labcorp Genetics (formerly Invitae), Labcorp
Classification: Uncertain significance. Last evaluated: 2021-12-02. Review status: criteria provided, single submitter. Criteria: Invitae Variant Classification Sherloc (09022015). Collection method: clinical testing. Allele origin: germline.
Comment: This variant has not been reported in the literature in individuals affected with ZNF335-related conditions. In summary, the available evidence is currently insufficient to determine the role of this variant in disease. Therefore, it has been classified as a Variant of Uncertain Significance. Algorithms developed to predict the effect of missense changes on protein structure and function (SIFT, PolyPhen-2, Align-GVGD) all suggest that this variant is likely to be tolerated. This variant is not present in population databases (gnomAD no frequency). This sequence change replaces serine, which is neutral and polar, with phenylalanine, which is neutral and non-polar, at codon 66 of the ZNF335 protein (p.Ser66Phe).

NM_022095.4(ZNF335):c.197C>T (p.Ser66Phe)

Gene: ZNF335 (zinc finger protein 335; minus strand). Cytogenetic location: 20q13.12.
Variant type: single nucleotide variant.
Coding change: c.197C>T on transcript NM_022095.4 (MANE Select); coding-DNA position 197, C replaced by T.
Protein change: p.Ser66Phe; replaces serine 66 with phenylalanine.
Molecular consequence: missense variant.
Genome position (GRCh38, 1-based): chr20:45,971,214, G>A on the plus strand (C>T on the coding strand, the complement: ZNF335 is on the minus strand). VCF-style: chr20-45971214-G-A. GRCh37 (hg19) VCF-style: chr20-44599853-G-A.
Other names: short protein forms S66F.
Identifiers: ClinVar variation 1418695 (VCV001418695.6), dbSNP rs2084059549, ClinGen allele CA409198253.